The following is an entry in ClinVar:

NM_001267550.2(TTN):c.69838C>T (p.Gln23280Ter)

Genes: TTN-AS1 (TTN antisense RNA 1; plus strand), TTN (titin; minus strand), LOC126806422 (BRD4-independent group 4 enhancer GRCh37_chr2:179440205-179441404; plus strand). Cytogenetic location: 2q31.2.
Variant type: single nucleotide variant.
Coding change: c.69838C>T on transcript NM_001267550.2 (MANE Select); coding-DNA position 69838, C replaced by T.
Protein change: p.Gln23280Ter; replaces glutamine 23280 with a stop codon.
Molecular consequence: nonsense.
Genome position (GRCh38, 1-based): chr2:178,576,294, G>A on the plus strand (C>T on the coding strand, the complement: TTN is on the minus strand). VCF-style: chr2-178576294-G-A. GRCh37 (hg19) VCF-style: chr2-179441021-G-A.
Other names: c.64915C>T, p.Gln21639Ter (NM_001256850.1); c.42643C>T, p.Gln14215Ter (NM_003319.4); c.62134C>T, p.Gln20712Ter (NM_133378.4); c.43018C>T, p.Gln14340Ter (NM_133432.3); c.43219C>T, p.Gln14407Ter (NM_133437.4); short protein forms Q14215*, Q14340*, Q14407*, Q20712*, Q21639*, Q23280*.
Identifiers: ClinVar variation 977738 (VCV000977738.3), dbSNP rs1710057805, ClinGen allele CA349666227.

ClinVar aggregate classification (germline): Likely pathogenic. Review status: criteria provided, multiple submitters, no conflicts (2 of 4 stars). 2 submissions from 2 submitters: Likely pathogenic (2). Last evaluated 2025-12-26.

Conditions:
Primary familial dilated cardiomyopathy (FDC). Also called: Familial dilated cardiomyopathy; Hypokinetic dilated cardiomyopathy, familial. Identifiers: Orphanet 217607, MedGen C0340427, MONDO:0016333.
Dilated cardiomyopathy 1G (CMD1G). Identifiers: Orphanet 154, MedGen C1858763, MONDO:0011400, OMIM 604145.
Autosomal recessive limb-girdle muscular dystrophy type 2J (LGMDR10). Also called: Limb-girdle muscular dystrophy, type 2J; MUSCULAR DYSTROPHY, LIMB-GIRDLE, AUTOSOMAL RECESSIVE 10. Identifiers: Orphanet 140922, MedGen C1837342, MONDO:0012127, OMIM 608807.

Submissions (2):

Labcorp Genetics (formerly Invitae), Labcorp
Classification: Likely pathogenic for Dilated cardiomyopathy 1G; Autosomal recessive limb-girdle muscular dystrophy type 2J. Last evaluated: 2025-12-26. Review status: criteria provided, single submitter. Criteria: Invitae Variant Classification Sherloc (09022015). Collection method: clinical testing. Allele origin: germline.
Comment: This sequence change creates a premature translational stop signal (p.Gln23280*) in the TTN gene. While this is not anticipated to result in nonsense mediated decay, it is expected to create a truncated TTN protein. This variant is not present in population databases (gnomAD no frequency). This variant has not been reported in the literature in individuals affected with TTN-related conditions. ClinVar contains an entry for this variant (Variation ID: 977738). This variant is located in the A band of TTN (PMID: 25589632). Truncating variants in this region are significantly overrepresented in patients affected with dilated cardiomyopathy (PMID: 25589632). Truncating variants in this region have also been reported in individuals affected with autosomal recessive centronuclear myopathy (PMID: 23975875). In summary, the currently available evidence indicates that the variant is pathogenic, but additional data are needed to prove that conclusively. Therefore, this variant has been classified as Likely Pathogenic.

Women's Health and Genetics/Laboratory Corporation of America, LabCorp
Classification: Likely pathogenic for Familial dilated cardiomyopathy. Last evaluated: 2020-08-17. Review status: criteria provided, single submitter. Criteria: LabCorp Variant Classification Summary - May 2015. Collection method: clinical testing. Allele origin: germline.
Comment: Variant summary: TTN c.62134C>T (p.Gln20712X) results in a premature termination codon, predicted to cause a truncation of the encoded protein or absence of the protein due to nonsense mediated decay, which are commonly known mechanisms for disease. This variant is located in exon 275 with high expression in heart. Frameshift and other truncating variants in TTN are strongly associated with DCM if they are located in the exons encoding for the A-band (PMID: 22335739, PMID: 24503780) and/or are located in an exon that is highly expressed in the heart (PMID: 25589632). The variant was absent in 229662 control chromosomes. To our knowledge, no occurrence of c.62134C>T in individuals affected with Dilated Cardiomyopathy and no experimental evidence demonstrating its impact on protein function have been reported. No clinical diagnostic laboratories have submitted clinical-significance assessments for this variant to ClinVar after 2014. Based on the evidence outlined above, the variant was classified as likely pathogenic.

Literature cited by the submitters: PubMed 25589632 (cited by Labcorp Genetics (formerly Invitae), Labcorp); PubMed 23975875 (cited by Labcorp Genetics (formerly Invitae), Labcorp).